The following is an entry in ClinVar:

NM_012431.3(SEMA3E):c.1657C>G (p.His553Asp)

Gene: SEMA3E (semaphorin 3E; minus strand). Cytogenetic location: 7q21.11.
Variant type: single nucleotide variant.
Coding change: c.1657C>G on transcript NM_012431.3 (MANE Select); coding-DNA position 1657, C replaced by G.
Protein change: p.His553Asp; replaces histidine 553 with aspartic acid.
Molecular consequence: missense variant.
Genome position (GRCh38, 1-based): chr7:83,392,565, G>C on the plus strand (C>G on the coding strand, the complement: SEMA3E is on the minus strand). VCF-style: chr7-83392565-G-C. GRCh37 (hg19) VCF-style: chr7-83021881-G-C.
Other names: c.1477C>G, p.His493Asp (NM_001178129.2); c.1657C>G (NM_012431.2); short protein forms H493D, H553D.
Identifiers: ClinVar variation 1988818 (VCV001988818.5), dbSNP rs2484292020, ClinGen allele CA367922983.
Genomic context (GRCh38, chr7:83,392,565, plus strand): 5'-TTAGGGTTTTCCTAAGCAAGGGAAATAGTTAATCAGGTAGCACGTCTCACCTTTTTGCAT[G>C]TGTGCCTGTTGGGTAATACCGGGAGCAGGATATGCCATCCCAGGCACAGTAAGGGTCTCG-3'
Protein context (NP_036563.1, residues 543-563): SCSRYYPTGT[His553Asp]AKRRFRRQDV

ClinVar aggregate classification (germline): Uncertain significance. Review status: criteria provided, multiple submitters, no conflicts (2 of 4 stars). 2 submissions from 2 submitters: Uncertain significance (2). Last evaluated 2024-10-23.

Conditions:
SEMA3E-related disorder. Also called: SEMA3E-related condition.
CHARGE syndrome (CHARGE). Also called: Hittner Hirsch Kreh syndrome; CHARGE ASSOCIATION--COLOBOMA, HEART ANOMALY, CHOANAL ATRESIA, RETARDATION, GENITAL AND EAR ANOMALIES; Coloboma, heart anomaly, choanal atresia, retardation, genital and ear anomalies; CHARGE association; Hall-Hittner syndrome. Identifiers: Orphanet 138, MedGen C0265354, MONDO:0008965.

Allele frequency attached by ClinVar (database versions not stated): gnomAD exomes 0.00001.
gnomAD v4.1: 18 of 1,612,902 alleles (0.0011%); highest among the groups gnomAD compares: Non-Finnish European, 0.0015%; no homozygotes.

Submissions (2):

PreventionGenetics, part of Exact Sciences
Classification: Uncertain significance for SEMA3E-related condition. Last evaluated: 2024-10-23. Review status: criteria provided, single submitter. Criteria: ACMG Guidelines, 2015. Collection method: clinical testing. Allele origin: germline.
Comment: The SEMA3E c.1657C>G variant is predicted to result in the amino acid substitution p.His553Asp. To our knowledge, this variant has not been reported in the literature or in a large population database (gnomAD), indicating this variant is rare. At this time, the clinical significance of this variant is uncertain due to the absence of conclusive functional and genetic evidence.

Labcorp Genetics (formerly Invitae), Labcorp
Classification: Uncertain significance for CHARGE syndrome. Last evaluated: 2022-05-04. Review status: criteria provided, single submitter. Criteria: Invitae Variant Classification Sherloc (09022015). Collection method: clinical testing. Allele origin: germline.
Comment: In summary, the available evidence is currently insufficient to determine the role of this variant in disease. Therefore, it has been classified as a Variant of Uncertain Significance. Algorithms developed to predict the effect of missense changes on protein structure and function are either unavailable or do not agree on the potential impact of this missense change (SIFT: "Deleterious"; PolyPhen-2: "Benign"; Align-GVGD: "Class C0"). This variant has not been reported in the literature in individuals affected with SEMA3E-related conditions. This sequence change replaces histidine, which is basic and polar, with aspartic acid, which is acidic and polar, at codon 553 of the SEMA3E protein (p.His553Asp). This variant is not present in population databases (gnomAD no frequency).